The following is an entry in ClinVar:

ClinVar aggregate classification (germline): Uncertain significance (1 of 4 stars; one submission).

Allele frequency attached by ClinVar (database versions not stated): gnomAD exomes below 0.00001 and 0.00001; ExAC 0.00001.
gnomAD v4.1: 5 of 1,614,236 alleles (0.00031%); highest among the groups gnomAD compares: Non-Finnish European, 0.00034%; no homozygotes.

Submission:

Labcorp Genetics (formerly Invitae), Labcorp
Classification: Uncertain significance. Last evaluated: 2022-10-13. Review status: criteria provided, single submitter. Criteria: Invitae Variant Classification Sherloc (09022015). Collection method: clinical testing. Allele origin: germline.
Comment: This sequence change replaces isoleucine, which is neutral and non-polar, with threonine, which is neutral and polar, at codon 195 of the RLBP1 protein (p.Ile195Thr). This variant is present in population databases (rs749921743, gnomAD 0.0009%). This variant has not been reported in the literature in individuals affected with RLBP1-related conditions. ClinVar contains an entry for this variant (Variation ID: 1518812). Advanced modeling of protein sequence and biophysical properties (such as structural, functional, and spatial information, amino acid conservation, physicochemical variation, residue mobility, and thermodynamic stability) performed at Invitae indicates that this missense variant is not expected to disrupt RLBP1 protein function. In summary, the available evidence is currently insufficient to determine the role of this variant in disease. Therefore, it has been classified as a Variant of Uncertain Significance.

NM_000326.5(RLBP1):c.584T>C (p.Ile195Thr)

Gene: RLBP1 (retinaldehyde binding protein 1; minus strand). Cytogenetic location: 15q26.1.
Variant type: single nucleotide variant.
Coding change: c.584T>C on transcript NM_000326.5 (MANE Select); coding-DNA position 584, T replaced by C.
Protein change: p.Ile195Thr; replaces isoleucine 195 with threonine.
Molecular consequence: missense variant.
Genome position (GRCh38, 1-based): chr15:89,211,843, A>G on the plus strand (T>C on the coding strand, the complement: RLBP1 is on the minus strand). VCF-style: chr15-89211843-A-G. GRCh37 (hg19) VCF-style: chr15-89755074-A-G.
Other names: short protein forms I195T.
Identifiers: ClinVar variation 1518812 (VCV001518812.5), dbSNP rs749921743, ClinGen allele CA7722239.
Genomic context (GRCh38, chr15:89,211,843, plus strand): 5'-AGACTAGCAGCCTGCTGCATGGTAAAGCCCTTGAAGTTCTCAATGATGCAGAAGCCATTG[A>G]TTTGAGTTTCCTCATTCTCCAGCAGCTTCTCCAGGATGAAGCAATATGCCTGCAAGATCT-3'
Protein context (NP_000317.1, residues 185-205): EKLLENEETQ[Ile195Thr]NGFCIIENFK